The following is an entry in ClinVar:

ClinVar aggregate classification (germline): Uncertain significance (1 of 4 stars; one submission).

Conditions:
Multiple congenital anomalies-hypotonia-seizures syndrome 1 (MCAHS1). Also called: PIGN-CDG; Congenital disorder of glycosylation due to PIGN deficiency; GLYCOSYLPHOSPHATIDYLINOSITOL BIOSYNTHESIS DEFECT 3. Identifiers: Orphanet 280633, MedGen C3279775, MONDO:0013563, OMIM 614080.

gnomAD v4.1: 1 of 1,596,922 alleles (0.000063%); highest among the groups gnomAD compares: Non-Finnish European, 0.000086%; no homozygotes.

Submission:

Labcorp Genetics (formerly Invitae), Labcorp
Classification: Uncertain significance for Multiple congenital anomalies-hypotonia-seizures syndrome 1. Last evaluated: 2019-04-12. Review status: criteria provided, single submitter. Criteria: Invitae Variant Classification Sherloc (09022015). Collection method: clinical testing. Allele origin: germline.
Comment: This sequence change replaces leucine with phenylalanine at codon 731 of the PIGN protein (p.Leu731Phe). The leucine residue is moderately conserved and there is a small physicochemical difference between leucine and phenylalanine. This variant is not present in population databases (ExAC no frequency). This variant has not been reported in the literature in individuals with PIGN-related conditions. Algorithms developed to predict the effect of missense changes on protein structure and function output the following: SIFT: "Deleterious"; PolyPhen-2: "Possibly Damaging"; Align-GVGD: "Class C0". The phenylalanine amino acid residue is found in multiple mammalian species, suggesting that this missense change does not adversely affect protein function. These predictions have not been confirmed by published functional studies and their clinical significance is uncertain. In summary, the available evidence is currently insufficient to determine the role of this variant in disease. Therefore, it has been classified as a Variant of Uncertain Significance.

NM_176787.5(PIGN):c.2191C>T (p.Leu731Phe)

Gene: PIGN (phosphatidylinositol glycan anchor biosynthesis class N; minus strand). Cytogenetic location: 18q21.33.
Variant type: single nucleotide variant.
Coding change: c.2191C>T on transcript NM_176787.5 (MANE Select); coding-DNA position 2191, C replaced by T.
Protein change: p.Leu731Phe; replaces leucine 731 with phenylalanine.
Molecular consequence: missense variant.
Genome position (GRCh38, 1-based): chr18:62,090,568, G>A on the plus strand (C>T on the coding strand, the complement: PIGN is on the minus strand). VCF-style: chr18-62090568-G-A. GRCh37 (hg19) VCF-style: chr18-59757801-G-A.
Other names: c.2191C>T, p.Leu731Phe (NM_012327.6); short protein forms L731F.
Identifiers: ClinVar variation 846294 (VCV000846294.1), dbSNP rs754047821, ClinGen allele CA301695365.